The following is an entry in ClinVar:

ClinVar aggregate classification (germline): Likely benign. Review status: criteria provided, multiple submitters, no conflicts (2 of 4 stars). 4 submissions from 4 submitters: Likely benign (4). Last evaluated 2023-05-07.

Conditions:
Hereditary nonpolyposis colorectal neoplasms. Identifiers: MedGen C0009405, MeSH D003123.
Hereditary cancer-predisposing syndrome. Also called: Hereditary Cancer Syndrome; Neoplastic Syndromes, Hereditary; Tumor predisposition; Hereditary neoplastic syndrome. Identifiers: Orphanet 140162, MedGen C0027672, MeSH D009386, MONDO:0015356.

Submissions (4):

Ambry Genetics
Classification: Likely benign for Hereditary cancer-predisposing syndrome. Last evaluated: 2023-05-07. Review status: criteria provided, single submitter. Criteria: Ambry Variant Classification Scheme 2023. Collection method: clinical testing. Allele origin: germline.

Labcorp Genetics (formerly Invitae), Labcorp
Classification: Likely benign for Hereditary nonpolyposis colorectal neoplasms. Last evaluated: 2022-03-30. Review status: criteria provided, single submitter. Criteria: Invitae Variant Classification Sherloc (09022015). Collection method: clinical testing. Allele origin: germline.

Color Diagnostics, LLC DBA Color Health
Classification: Likely benign for Hereditary cancer-predisposing syndrome. Last evaluated: 2019-04-15. Review status: criteria provided, single submitter. Criteria: ACMG Guidelines, 2015. Collection method: clinical testing. Allele origin: germline.

GeneDx
Classification: Likely benign. Last evaluated: 2017-03-24. Review status: criteria provided, single submitter. Criteria: GeneDx Variant Classification (06012015). Collection method: clinical testing. Allele origin: germline. Affected: yes.
Comment: This variant is considered likely benign or benign based on one or more of the following criteria: it is a conservative change, it occurs at a poorly conserved position in the protein, it is predicted to be benign by multiple in silico algorithms, and/or has population frequency not consistent with disease.

NM_000179.3(MSH6):c.1554C>G (p.Thr518=)

Gene: MSH6 (mutS homolog 6; plus strand). Cytogenetic location: 2p16.3.
Variant type: single nucleotide variant.
Coding change: c.1554C>G on transcript NM_000179.3 (MANE Select); coding-DNA position 1554, C replaced by G.
Protein change: p.Thr518=; no amino-acid change (threonine 518 retained).
Molecular consequence: synonymous variant.
Genome position (GRCh38, 1-based): chr2:47,799,537, C>G. VCF-style: chr2-47799537-C-G. GRCh37 (hg19) VCF-style: chr2-48026676-C-G.
Other names: c.1164C>G, p.Thr388= (NM_001281492.2); c.648C>G, p.Thr216= (NM_001281493.2, NM_001281494.2).
Identifiers: ClinVar variation 516247 (VCV000516247.14), dbSNP rs786201471, ClinGen allele CA426121224.
Genomic context (GRCh38, chr2:47,799,537, plus strand): 5'-GATGGCACATATATCCAAGTATGATAGAGTGGTGAGGAGGGAGATCTGTAGGATCATTAC[C>G]AAGGGTACACAGACTTACAGTGTGCTGGAAGGTGATCCCTCTGAGAACTACAGTAAGTAT-3'
Protein context (NP_000170.1, residues 508-528): VVRREICRII[Thr518=]KGTQTYSVLE